The following is an entry in ClinVar:

ClinVar aggregate classification (germline): Uncertain significance. Review status: criteria provided, multiple submitters, no conflicts (2 of 4 stars). 3 submissions from 3 submitters: Uncertain significance (3). Last evaluated 2025-12-11.

Conditions:
Congenital contractural arachnodactyly (CCA). Also called: BEALS SYNDROME; Beals-Hecht syndrome; Arthrogryposis, distal, type 9. Identifiers: Orphanet 115, MedGen C0220668, MONDO:0007363, OMIM 121050.
Familial thoracic aortic aneurysm and aortic dissection (TAAD). Also called: Thoracic aortic aneurysms and dissections. Identifiers: Orphanet 91387, MedGen C4707243, MONDO:0019625.

Allele frequency attached by ClinVar (database versions not stated): gnomAD exomes below 0.00001 and 0.00001; ExAC 0.00001; gnomAD 0.00001.
gnomAD v4.1: 3 of 1,612,124 alleles (0.00019%); highest among the groups gnomAD compares: Non-Finnish European, 0.00025%; no homozygotes.

Submissions (3):

Ambry Genetics
Classification: Uncertain significance for Familial thoracic aortic aneurysm and aortic dissection. Last evaluated: 2025-12-11. Review status: criteria provided, single submitter. Criteria: Ambry Variant Classification Scheme 2023. Collection method: clinical testing. Allele origin: germline.
Comment: The p.E1898K variant (also known as c.5692G>A), located in coding exon 45 of the FBN2 gene, results from a G to A substitution at nucleotide position 5692. The glutamic acid at codon 1898 is replaced by lysine, an amino acid with similar properties. This amino acid position is highly conserved in available vertebrate species. In addition, this alteration is predicted to be deleterious by in silico analysis. Since supporting evidence is limited at this time, the clinical significance of this alteration remains unclear.

Labcorp Genetics (formerly Invitae), Labcorp
Classification: Uncertain significance for Congenital contractural arachnodactyly. Last evaluated: 2025-01-19. Review status: criteria provided, single submitter. Criteria: Invitae Variant Classification Sherloc (09022015). Collection method: clinical testing. Allele origin: germline.
Comment: This sequence change replaces glutamic acid, which is acidic and polar, with lysine, which is basic and polar, at codon 1898 of the FBN2 protein (p.Glu1898Lys). This variant is present in population databases (rs767932789, gnomAD 0.002%). This variant has not been reported in the literature in individuals affected with FBN2-related conditions. ClinVar contains an entry for this variant (Variation ID: 389867). Invitae Evidence Modeling of protein sequence and biophysical properties (such as structural, functional, and spatial information, amino acid conservation, physicochemical variation, residue mobility, and thermodynamic stability) indicates that this missense variant is not expected to disrupt FBN2 protein function with a negative predictive value of 80%. In summary, the available evidence is currently insufficient to determine the role of this variant in disease. Therefore, it has been classified as a Variant of Uncertain Significance.

GeneDx
Classification: Uncertain significance. Last evaluated: 2017-01-17. Review status: criteria provided, single submitter. Criteria: GeneDx Variant Classification (06012015). Collection method: clinical testing. Allele origin: germline. Affected: yes.
Comment: The E1898K variant of uncertain significance in the FBN2 gene has not been published as pathogenic or been reported as benign to our knowledge. E1898K is not observed at a significant frequency in large population cohorts (Lek et al., 2016; 1000 Genomes Consortium et al., 2015; Exome Variant Server). The E1898K variant is a non-conservative amino acid substitution, which is likely to impact secondary protein structure as these residues differ in polarity, charge, size and/or other properties. Moreover, this substitution occurs at a position that is conserved across species, and in silico analysis predicts this variant is probably damaging to the protein structure/function. Nevertheless, although the E1898K variant is located within a calcium-binding EGF-like domain of the FBN2 gene, it does not affect a Cysteine residue. Cysteine substitutions in the calcium-binding EGF-like domains represent the majority of pathogenic missense changes associated with congenital arachnodactyly (Collod-Beroud et al., 2003; FrÃ©dÃ©ric et al., 2009).

NM_001999.4(FBN2):c.5692G>A (p.Glu1898Lys)

Gene: FBN2 (fibrillin 2; minus strand). Cytogenetic location: 5q23.3.
Variant type: single nucleotide variant.
Coding change: c.5692G>A on transcript NM_001999.4 (MANE Select); coding-DNA position 5692, G replaced by A.
Protein change: p.Glu1898Lys; replaces glutamic acid 1898 with lysine.
Molecular consequence: missense variant.
Genome position (GRCh38, 1-based): chr5:128,305,065, C>T on the plus strand (G>A on the coding strand, the complement: FBN2 is on the minus strand). VCF-style: chr5-128305065-C-T. GRCh37 (hg19) VCF-style: chr5-127640757-C-T.
Other names: short protein forms E1898K.
Identifiers: ClinVar variation 389867 (VCV000389867.15), dbSNP rs767932789, ClinGen allele CA3394618.